The following is an entry in ClinVar:

ClinVar aggregate classification (germline): Uncertain significance (1 of 4 stars; one submission).

Submission:

Labcorp Genetics (formerly Invitae), Labcorp
Classification: Uncertain significance. Last evaluated: 2025-11-22. Review status: criteria provided, single submitter. Criteria: Invitae Variant Classification Sherloc (09022015). Collection method: clinical testing. Allele origin: germline.
Comment: This sequence change replaces glycine, which is neutral and non-polar, with arginine, which is basic and polar, at codon 238 of the GNB3 protein (p.Gly238Arg). This variant is not present in population databases (gnomAD no frequency). This variant has not been reported in the literature in individuals affected with GNB3-related conditions. Invitae Evidence Modeling of protein sequence and biophysical properties (such as structural, functional, and spatial information, amino acid conservation, physicochemical variation, residue mobility, and thermodynamic stability) indicates that this missense variant is expected to disrupt GNB3 protein function with a positive predictive value of 80%. In summary, the available evidence is currently insufficient to determine the role of this variant in disease. Therefore, it has been classified as a Variant of Uncertain Significance.

NM_002075.4(GNB3):c.712G>A (p.Gly238Arg)

Genes: CDCA3 (cell division cycle associated 3; minus strand), GNB3 (G protein subunit beta 3; plus strand). Cytogenetic location: 12p13.31.
Variant type: single nucleotide variant.
Coding change: c.712G>A on transcript NM_002075.4 (MANE Select); coding-DNA position 712, G replaced by A.
Protein change: p.Gly238Arg; replaces glycine 238 with arginine.
Molecular consequence: missense variant. On other transcripts: 3 prime UTR variant (1).
Genome position (GRCh38, 1-based): chr12:6,845,598, G>A. VCF-style: chr12-6845598-G-A. GRCh37 (hg19) VCF-style: chr12-6954762-G-A.
Other names: c.709G>A, p.Gly237Arg (NM_001297571.2); c.*1190C>T (NM_001297603.3); short protein forms G237R, G238R.
Identifiers: ClinVar variation 4738749 (VCV004738749.1).